The following is an entry in ClinVar:

NM_033305.3(VPS13A):c.6699T>G (p.His2233Gln)

Gene: VPS13A (vacuolar protein sorting 13 homolog A; plus strand). Cytogenetic location: 9q21.2.
Variant type: single nucleotide variant.
Coding change: c.6699T>G on transcript NM_033305.3 (MANE Select); coding-DNA position 6699, T replaced by G.
Protein change: p.His2233Gln; replaces histidine 2233 with glutamine.
Molecular consequence: missense variant.
Genome position (GRCh38, 1-based): chr9:77,339,836, T>G. VCF-style: chr9-77339836-T-G. GRCh37 (hg19) VCF-style: chr9-79954752-T-G.
Other names: c.6582T>G, p.His2194Gln (NM_001018037.2); c.6699T>G, p.His2233Gln (NM_001018038.3, NM_015186.4); short protein forms H2194Q, H2233Q.
Identifiers: ClinVar variation 2190635 (VCV002190635.3), dbSNP rs760655067, ClinGen allele CA5093089.

ClinVar aggregate classification (germline): Uncertain significance. Review status: criteria provided, multiple submitters, no conflicts (2 of 4 stars). 2 submissions from 2 submitters: Uncertain significance (2). Last evaluated 2025-05-29.

Allele frequency attached by ClinVar (database versions not stated): ExAC 0.00002; TOPMed 0.00003; gnomAD 0.00004.
gnomAD v4.1: 185 of 1,613,872 alleles (0.011%); highest among the groups gnomAD compares: Non-Finnish European, 0.015%; no homozygotes.

Submissions (2):

Labcorp Genetics (formerly Invitae), Labcorp
Classification: Uncertain significance. Last evaluated: 2025-05-29. Review status: criteria provided, single submitter. Criteria: Invitae Variant Classification Sherloc (09022015). Collection method: clinical testing. Allele origin: germline.
Comment: This sequence change replaces histidine, which is basic and polar, with glutamine, which is neutral and polar, at codon 2233 of the VPS13A protein (p.His2233Gln). This variant is present in population databases (rs760655067, gnomAD 0.006%). This variant has not been reported in the literature in individuals affected with VPS13A-related conditions. ClinVar contains an entry for this variant (Variation ID: 2190635). Invitae Evidence Modeling of protein sequence and biophysical properties (such as structural, functional, and spatial information, amino acid conservation, physicochemical variation, residue mobility, and thermodynamic stability) indicates that this missense variant is expected to disrupt VPS13A protein function with a positive predictive value of 80%. In summary, the available evidence is currently insufficient to determine the role of this variant in disease. Therefore, it has been classified as a Variant of Uncertain Significance.

Blueprint Genetics
Classification: Uncertain significance. Last evaluated: 2023-08-28. Review status: criteria provided, single submitter. Criteria: ACMG Guidelines, 2015. Collection method: clinical testing. Allele origin: germline.